The following is an entry in ClinVar:

NM_206933.4(USH2A):c.13430A>G (p.Tyr4477Cys)

Gene: USH2A (usherin; minus strand). Cytogenetic location: 1q41.
Variant type: single nucleotide variant.
Coding change: c.13430A>G on transcript NM_206933.4 (MANE Select); coding-DNA position 13430, A replaced by G.
Protein change: p.Tyr4477Cys; replaces tyrosine 4477 with cysteine.
Molecular consequence: missense variant.
Genome position (GRCh38, 1-based): chr1:215,674,481, T>C on the plus strand (A>G on the coding strand, the complement: USH2A is on the minus strand). VCF-style: chr1-215674481-T-C. GRCh37 (hg19) VCF-style: chr1-215847823-T-C.
Other names: short protein forms Y4477C.
Identifiers: ClinVar variation 667358 (VCV000667358.19), dbSNP rs921800139, ClinGen allele CA37412460.

ClinVar aggregate classification (germline): Conflicting classifications of pathogenicity. Review status: criteria provided, conflicting classifications (1 of 4 stars). 6 submissions from 6 submitters: Pathogenic (1); Likely pathogenic (2); Uncertain significance (2). 1 of the submissions does not count toward it. Last evaluated 2025-12-01.

Conditions:
USH2A-related disorder. Also called: USH2A-related disorders; USH2A-related condition. Identifiers: MedGen CN239332.
Inborn genetic diseases. Identifiers: MedGen C0950123, MeSH D030342.
Usher syndrome type 2A. Also called: USHER SYNDROME, TYPE IIA; RETINAL DISEASE IN USHER SYNDROME TYPE IIA, MODIFIER OF. Identifiers: Orphanet 231178, Orphanet 886, MedGen C1848634, MONDO:0010169, OMIM 276901.

Allele frequency attached by ClinVar (database versions not stated): gnomAD exomes below 0.00001; gnomAD 0.00001.
gnomAD v4.1: 3 of 1,614,072 alleles (0.00019%); highest among the groups gnomAD compares: African/African-American, 0.0027%; no homozygotes.

Submissions (6):

Labcorp Genetics (formerly Invitae), Labcorp
Classification: Pathogenic. Last evaluated: 2025-12-01. Review status: criteria provided, single submitter. Criteria: Invitae Variant Classification Sherloc (09022015). Collection method: clinical testing. Allele origin: germline.
Comment: This sequence change replaces tyrosine, which is neutral and polar, with cysteine, which is neutral and slightly polar, at codon 4477 of the USH2A protein (p.Tyr4477Cys). This variant is present in population databases (no rsID available, gnomAD 0.007%). This missense change has been observed in individual(s) with clinical features of Usher syndrome (internal data). ClinVar contains an entry for this variant (Variation ID: 667358). Invitae Evidence Modeling of protein sequence and biophysical properties (such as structural, functional, and spatial information, amino acid conservation, physicochemical variation, residue mobility, and thermodynamic stability) indicates that this missense variant is expected to disrupt USH2A protein function with a positive predictive value of 95%. For these reasons, this variant has been classified as Pathogenic.

Ambry Genetics
Classification: Uncertain significance for Inborn genetic diseases. Last evaluated: 2025-10-24. Review status: criteria provided, single submitter. Criteria: Ambry Variant Classification Scheme 2023. Collection method: clinical testing. Allele origin: germline.

GeneDx
Classification: Likely pathogenic. Last evaluated: 2025-03-07. Review status: criteria provided, single submitter. Criteria: GeneDx Variant Classification Process June 2021. Collection method: clinical testing. Allele origin: germline. Affected: yes.
Comment: Not observed at significant frequency in large population cohorts (gnomAD); In silico analysis supports that this missense variant has a deleterious effect on protein structure/function; Has not been previously published as pathogenic or benign to our knowledge

Blueprint Genetics
Classification: Likely pathogenic for USH2A-related disorders. Last evaluated: 2021-10-11. Review status: criteria provided, single submitter. Criteria: ACMG Guidelines, 2015. Collection method: clinical testing. Allele origin: germline. Affected: yes. Observed: 5 variant alleles.

Laboratory for Molecular Medicine, Mass General Brigham Personalized Medicine
Classification: Uncertain significance. Last evaluated: 2019-02-26. Review status: criteria provided, single submitter. Criteria: LMM Criteria. Collection method: clinical testing. Allele origin: germline. Observed: 1 variant allele.
Comment: The p.Tyr4477Cys variant in USH2A has not been previously reported in individuals with hearing loss or Usher syndrome but has been identified in 0.006% (1/16230) African chromosomes by gnomAD. Computational prediction tools and conservation analysis suggest that this variant may impact the protein, though this information is not predictive enough to determine pathogenicity. In summary, the clinical significance of this variant is uncertain. ACMG/AMP Criteria applied: PM2, PP3.

Natera, Inc.
Classification: Uncertain significance for Usher syndrome type 2A. Last evaluated: 2021-07-27. Review status: no assertion criteria provided. Collection method: clinical testing. Allele origin: germline. Not counted in ClinVar's aggregate classification.